The following is an entry in ClinVar:

NM_001148.6(ANK2):c.106C>T (p.Leu36Phe)

Gene: ANK2 (ankyrin 2; plus strand). Cytogenetic location: 4q25.
Variant type: single nucleotide variant.
Coding change: c.106C>T on transcript NM_001148.6 (MANE Select); coding-DNA position 106, C replaced by T.
Protein change: p.Leu36Phe; replaces leucine 36 with phenylalanine.
Molecular consequence: missense variant.
Genome position (GRCh38, 1-based): chr4:113,174,437, C>T. VCF-style: chr4-113174437-C-T. GRCh37 (hg19) VCF-style: chr4-114095593-C-T.
Other names: c.43C>T, p.Leu15Phe (NM_001354275.2, NM_001354276.2, NM_001354277.2 and 33 more transcripts); c.151C>T, p.Leu51Phe (NM_001386144.1, NM_001354240.2, NM_001354241.2 and 5 more transcripts); c.88C>T, p.Leu30Phe (NM_001386147.1, NM_001354261.2, NM_001386160.1); c.94C>T, p.Leu32Phe (NM_001386148.2, NM_001354269.3, NM_001386186.2 and 1 more transcripts); c.106C>T, p.Leu36Phe (NM_001354245.2, NM_001354246.2, NM_001354258.2 and 9 more transcripts); c.157C>T, p.Leu53Phe (NM_001386174.1, NM_001386175.1); short protein forms L36F, L32F, L15F, L30F, L51F, L53F.
Identifiers: ClinVar variation 2738868 (VCV002738868.3), dbSNP rs1373936514, ClinGen allele CA357992881.

ClinVar aggregate classification (germline): Uncertain significance (1 of 4 stars; one submission).

Conditions:
Long QT syndrome (LQTS). Identifiers: MedGen C0023976, MeSH D008133, MONDO:0002442. Disease mechanism: loss of function. Inheritance: Various modes of inheritance.

Allele frequency attached by ClinVar (database versions not stated): gnomAD exomes below 0.00001.
gnomAD v4.1: 1 of 1,613,010 alleles (0.000062%); highest among the groups gnomAD compares: Admixed American, 0.0017%; no homozygotes.

Submission:

Labcorp Genetics (formerly Invitae), Labcorp
Classification: Uncertain significance for Long QT syndrome. Last evaluated: 2023-07-08. Review status: criteria provided, single submitter. Criteria: Invitae Variant Classification Sherloc (09022015). Collection method: clinical testing. Allele origin: germline.
Comment: This sequence change replaces leucine, which is neutral and non-polar, with phenylalanine, which is neutral and non-polar, at codon 36 of the ANK2 protein (p.Leu36Phe). This variant is present in population databases (no rsID available, gnomAD 0.003%). In summary, the available evidence is currently insufficient to determine the role of this variant in disease. Therefore, it has been classified as a Variant of Uncertain Significance. Advanced modeling of protein sequence and biophysical properties (such as structural, functional, and spatial information, amino acid conservation, physicochemical variation, residue mobility, and thermodynamic stability) performed at Invitae indicates that this missense variant is expected to disrupt ANK2 protein function. This variant has not been reported in the literature in individuals affected with ANK2-related conditions.